The following is an entry in ClinVar:

NM_000500.9(CYP21A2):c.1214T>C (p.Phe405Ser)

Genes: CYP21A2 (cytochrome P450 family 21 subfamily A member 2; plus strand), LOC106780800 (CYP21A2 recombination region; plus strand). Cytogenetic location: 6p21.33.
Variant type: single nucleotide variant.
Coding change: c.1214T>C on transcript NM_000500.9 (MANE Select); coding-DNA position 1214, T replaced by C.
Protein change: p.Phe405Ser; replaces phenylalanine 405 with serine.
Molecular consequence: missense variant.
Genome position (GRCh38, 1-based): chr6:32,040,763, T>C. VCF-style: chr6-32040763-T-C. GRCh37 (hg19) VCF-style: chr6-32008540-T-C.
Other names: p.Phe405Ser; c.1124T>C, p.Phe375Ser (NM_001128590.4); c.809T>C, p.Phe270Ser (NM_001368143.2, NM_001368144.2); short protein forms F270S, F375S, F405S.
Identifiers: ClinVar variation 1675319 (VCV001675319.2), dbSNP rs2151876037, ClinGen allele CA363511482.

ClinVar aggregate classification (germline): Uncertain significance (1 of 4 stars; one submission).

Conditions:
21-Hydroxylase-Deficient Congenital Adrenal Hyperplasia. Also called: ADRENAL HYPERPLASIA III; ADRENAL HYPERPLASIA, CONGENITAL, DUE TO 21-HYDROXYLASE DEFICIENCY. Identifiers: MedGen C2936858, OMIM 201910.

Submission:

Institute of Medical Genetics and Genomics, Sir Ganga Ram Hospital
Classification: Uncertain significance for 21-Hydroxylase-Deficient Congenital Adrenal Hyperplasia. Last evaluated: 2021-03-10. Review status: criteria provided, single submitter. Criteria: ACMG Guidelines, 2015. Collection method: clinical testing. Allele origin: germline. Affected: yes. Observed: 2 variant alleles.
Comment: This variant was detected in two CAH patients.

Literature cited by the submitters: PubMed 23359698; PubMed 33552137; PubMed 30611409; PubMed 29035424.